The following is an entry in ClinVar:

ClinVar aggregate classification (germline): Conflicting classifications of pathogenicity. Review status: criteria provided, conflicting classifications (1 of 4 stars). 2 submissions from 2 submitters: Uncertain significance (1); Likely benign (1). Last evaluated 2025-12-30.

Conditions:
Osteogenesis imperfecta type I (OI1). Also called: OI, TYPE I; OSTEOGENESIS IMPERFECTA TARDA; OSTEOGENESIS IMPERFECTA WITH BLUE SCLERAE; Classic Non-deforming Osteogenesis Imperfecta with Blue Sclerae; Lobstein disease; Osteogenesis imperfecta type 1. Identifiers: Orphanet 216796, Orphanet 666, MedGen C0023931, MONDO:0008146, OMIM 166200. Disease mechanism: loss of function.
Cardiovascular phenotype. Identifiers: MedGen CN230736.

Allele frequency attached by ClinVar (database versions not stated): ExAC 0.00004; gnomAD 0.00004; TOPMed 0.00006; ESP Exome Variant Server 0.00008.
gnomAD v4.1: 10 of 1,613,398 alleles (0.00062%); highest among the groups gnomAD compares: African/African-American, 0.013%; no homozygotes.

Submissions (2):

Ambry Genetics
Classification: Uncertain significance for Cardiovascular phenotype. Last evaluated: 2025-12-30. Review status: criteria provided, single submitter. Criteria: Ambry Variant Classification Scheme 2023. Collection method: clinical testing. Allele origin: germline.
Comment: The p.D168E variant (also known as c.504T>G), located in coding exon 6 of the COL1A1 gene, results from a T to G substitution at nucleotide position 504. The aspartic acid at codon 168 is replaced by glutamic acid, an amino acid with highly similar properties. This amino acid position is conserved. In addition, the in silico prediction for this alteration is inconclusive. Based on the available evidence, the clinical significance of this variant remains unclear.

Labcorp Genetics (formerly Invitae), Labcorp
Classification: Likely benign for Osteogenesis imperfecta type I. Last evaluated: 2025-03-19. Review status: criteria provided, single submitter. Criteria: Invitae Variant Classification Sherloc (09022015). Collection method: clinical testing. Allele origin: germline.

NM_000088.4(COL1A1):c.504T>G (p.Asp168Glu)

Gene: COL1A1 (collagen type I alpha 1 chain; minus strand). Cytogenetic location: 17q21.33.
Variant type: single nucleotide variant.
Coding change: c.504T>G on transcript NM_000088.4 (MANE Select); coding-DNA position 504, T replaced by G.
Protein change: p.Asp168Glu; replaces aspartic acid 168 with glutamic acid.
Molecular consequence: missense variant.
Genome position (GRCh38, 1-based): chr17:50,198,472, A>C on the plus strand (T>G on the coding strand, the complement: COL1A1 is on the minus strand). VCF-style: chr17-50198472-A-C. GRCh37 (hg19) VCF-style: chr17-48275833-A-C.
Other names: short protein forms D168E.
Identifiers: ClinVar variation 845031 (VCV000845031.11), dbSNP rs368246367, ClinGen allele CA8645687.